The following is an entry in ClinVar:

NM_013432.5(TONSL):c.4047G>T (p.Arg1349Ser)

Gene: TONSL (tonsoku like, DNA repair protein; minus strand). Cytogenetic location: 8q24.3.
Variant type: single nucleotide variant.
Coding change: c.4047G>T on transcript NM_013432.5 (MANE Select); coding-DNA position 4047, G replaced by T.
Protein change: p.Arg1349Ser; replaces arginine 1349 with serine.
Molecular consequence: missense variant.
Genome position (GRCh38, 1-based): chr8:144,429,233, C>A on the plus strand (G>T on the coding strand, the complement: TONSL is on the minus strand). VCF-style: chr8-144429233-C-A. GRCh37 (hg19) VCF-style: chr8-145654616-C-A.
Other names: c.4047G>T (NM_013432.4); short protein forms R1349S.
Identifiers: ClinVar variation 1421877 (VCV001421877.7), dbSNP rs561356988, ClinGen allele CA4942313.

ClinVar aggregate classification (germline): Uncertain significance. Review status: criteria provided, multiple submitters, no conflicts (2 of 4 stars). 3 submissions from 3 submitters: Uncertain significance (3). Last evaluated 2026-01-27.

Conditions:
Inborn genetic diseases. Identifiers: MedGen C0950123, MeSH D030342.
Sponastrime dysplasia. Also called: SPONDYLAR AND NASAL ALTERATIONS WITH STRIATED METAPHYSES. Identifiers: Orphanet 93357, MedGen C1300260, MONDO:0010068, OMIM 271510.

Allele frequency attached by ClinVar (database versions not stated): gnomAD exomes 0.00005 and 0.00006; ExAC 0.00008; gnomAD 0.00025 and 0.00026; 1000 Genomes Project 30x 0.00062; TOPMed 0.00072; 1000 Genomes Project 0.00080.
gnomAD v4.1: 88 of 1,535,434 alleles (0.0057%); highest among the groups gnomAD compares: Admixed American, 0.13%; 3 homozygotes.

Submissions (3):

Labcorp Genetics (formerly Invitae), Labcorp
Classification: Uncertain significance. Last evaluated: 2026-01-27. Review status: criteria provided, single submitter. Criteria: Invitae Variant Classification Sherloc (09022015). Collection method: clinical testing. Allele origin: germline.
Comment: This sequence change replaces arginine, which is basic and polar, with serine, which is neutral and polar, at codon 1349 of the TONSL protein (p.Arg1349Ser). This variant is present in population databases (rs561356988, gnomAD 0.02%). This variant has not been reported in the literature in individuals affected with TONSL-related conditions. ClinVar contains an entry for this variant (Variation ID: 1421877). Invitae Evidence Modeling of protein sequence and biophysical properties (such as structural, functional, and spatial information, amino acid conservation, physicochemical variation, residue mobility, and thermodynamic stability) indicates that this missense variant is not expected to disrupt TONSL protein function with a negative predictive value of 80%. In summary, the available evidence is currently insufficient to determine the role of this variant in disease. Therefore, it has been classified as a Variant of Uncertain Significance.

Ambry Genetics
Classification: Uncertain significance for Inborn genetic diseases. Last evaluated: 2025-08-05. Review status: criteria provided, single submitter. Criteria: Ambry Variant Classification Scheme 2023. Collection method: clinical testing. Allele origin: germline.

Revvity Omics, Revvity
Classification: Uncertain significance for Sponastrime dysplasia. Last evaluated: 2022-02-01. Review status: criteria provided, single submitter. Criteria: ACMG Guidelines, 2015. Collection method: clinical testing. Allele origin: germline.